The following is an entry in ClinVar:

ClinVar aggregate classification (germline): Uncertain significance. Review status: criteria provided, multiple submitters, no conflicts (2 of 4 stars). 2 submissions from 2 submitters: Uncertain significance (2). Last evaluated 2024-10-22.

Conditions:
Neurofibromatosis, type 1 (NF1). Also called: VON RECKLINGHAUSEN DISEASE; NEUROFIBROMATOSIS, TYPE I, SOMATIC; Peripheral type neurofibromatosis; Neurofibromatosis, type I. Identifiers: Orphanet 636, MedGen C0027831, MONDO:0018975, OMIM 162200. Disease mechanism: loss of function.

Submissions (2):

GeneDx
Classification: Uncertain significance. Last evaluated: 2024-10-22. Review status: criteria provided, single submitter. Criteria: GeneDx Variant Classification Process June 2021. Collection method: clinical testing. Allele origin: germline. Affected: yes.
Comment: Not observed at significant frequency in large population cohorts (gnomAD); In silico analysis supports that this missense variant has a deleterious effect on protein structure/function; Has not been previously published as pathogenic or benign to our knowledge; This variant is associated with the following publications: (PMID: 22807134, 25486365)

Labcorp Genetics (formerly Invitae), Labcorp
Classification: Uncertain significance for Neurofibromatosis, type 1. Last evaluated: 2017-08-09. Review status: criteria provided, single submitter. Criteria: Invitae Variant Classification Sherloc (09022015). Collection method: clinical testing. Allele origin: germline.
Comment: In summary, the available evidence is currently insufficient to determine the role of this variant in disease. Therefore, it has been classified as a Variant of Uncertain Significance. Algorithms developed to predict the effect of missense changes on protein structure and function do not agree on the potential impact of this missense change (SIFT: "Tolerated"; PolyPhen-2: "Possibly Damaging"; Align-GVGD: "Class C0"). This variant has not been reported in the literature in individuals with NF1-related disease. This variant is not present in population databases (ExAC no frequency). This sequence change replaces serine with tyrosine at codon 1354 of the NF1 protein (p.Ser1354Tyr). The serine residue is moderately conserved and there is a large physicochemical difference between serine and tyrosine.

NM_001042492.3(NF1):c.4061C>A (p.Ser1354Tyr)

Gene: NF1 (neurofibromin 1; plus strand). Cytogenetic location: 17q11.2.
Variant type: single nucleotide variant.
Coding change: c.4061C>A on transcript NM_001042492.3 (MANE Select); coding-DNA position 4061, C replaced by A.
Protein change: p.Ser1354Tyr; replaces serine 1354 with tyrosine.
Molecular consequence: missense variant.
Genome position (GRCh38, 1-based): chr17:31,249,070, C>A. VCF-style: chr17-31249070-C-A. GRCh37 (hg19) VCF-style: chr17-29576088-C-A.
Other names: c.4061C>A, p.Ser1354Tyr (NM_000267.4); short protein forms S1354Y.
Identifiers: ClinVar variation 527539 (VCV000527539.6), dbSNP rs1555617348, ClinGen allele CA398995000.